The following is an entry in ClinVar:

NM_001111125.3(IQSEC2):c.3106C>T (p.Gln1036Ter)

Gene: IQSEC2 (IQ motif and Sec7 domain ArfGEF 2; minus strand). Cytogenetic location: Xp11.22.
Variant type: single nucleotide variant.
Coding change: c.3106C>T on transcript NM_001111125.3 (MANE Select); coding-DNA position 3106, C replaced by T.
Protein change: p.Gln1036Ter; replaces glutamine 1036 with a stop codon.
Molecular consequence: nonsense.
Genome position (GRCh38, 1-based): chrX:53,239,204, G>A on the plus strand (C>T on the coding strand, the complement: IQSEC2 is on the minus strand). VCF-style: chrX-53239204-G-A. GRCh37 (hg19) VCF-style: chrX-53268386-G-A.
Other names: c.2491C>T, p.Gln831Ter (NM_015075.2); short protein forms Q1036*, Q831*.
Identifiers: ClinVar variation 1076577 (VCV001076577.8), dbSNP rs2147032671, ClinGen allele CA413147394.
Genomic context (GRCh38, chrX:53,239,204, plus strand): 5'-TGGGGGCCATGACATAGACTCTCAGGAGCTGGGATCCAAGAAGGGACTCACATGAATTCT[G>A]GAAGAGCTGCATGTGCATTTCCACGAGGGGGAAAGACTGACGGAAACTGTACGTCACCAA-3'

ClinVar aggregate classification (germline): Pathogenic/Likely pathogenic. Review status: criteria provided, multiple submitters, no conflicts (2 of 4 stars). 2 submissions from 2 submitters: Pathogenic (1); Likely pathogenic (1). Last evaluated 2024-05-08.

Conditions:
IQSEC2-related disorder. Also called: IQSEC2-related condition.
Intellectual developmental disorder, X-linked 1. Also called: Atkin Flaitz Patil Smith syndrome; Intellectual disability, X-linked 1; MENTAL RETARDATION, X-LINKED 18; MENTAL RETARDATION, X-LINKED 78. Identifiers: Orphanet 777, MedGen C2931498, MONDO:0010656, OMIM 309530.

Submissions (2):

Blueprint Genetics
Classification: Likely pathogenic for IQSEC2-related disorders. Last evaluated: 2024-05-08. Review status: criteria provided, single submitter. Criteria: ACMG Guidelines, 2015. Collection method: clinical testing. Allele origin: germline. Affected: yes. Observed: 1 variant allele.

Labcorp Genetics (formerly Invitae), Labcorp
Classification: Pathogenic for Intellectual developmental disorder, X-linked 1. Last evaluated: 2020-07-25. Review status: criteria provided, single submitter. Criteria: Invitae Variant Classification Sherloc (09022015). Collection method: clinical testing. Allele origin: germline.
Comment: For these reasons, this variant has been classified as Pathogenic. Loss-of-function variants in IQSEC2 are known to be pathogenic (PMID: 21686261, 26793055, 27665735). This variant has not been reported in the literature in individuals with IQSEC2-related conditions. This variant is not present in population databases (ExAC no frequency). This sequence change creates a premature translational stop signal (p.Gln1036*) in the IQSEC2 gene. It is expected to result in an absent or disrupted protein product.

Literature cited by the submitters: PubMed 21686261 (cited by Labcorp Genetics (formerly Invitae), Labcorp); PubMed 26793055 (cited by Labcorp Genetics (formerly Invitae), Labcorp); PubMed 27665735 (cited by Labcorp Genetics (formerly Invitae), Labcorp).